The following is an entry in ClinVar:

ClinVar aggregate classification (germline): Uncertain significance (1 of 4 stars; one submission).

Conditions:
Oligodontia-cancer predisposition syndrome. Also called: TOOTH AGENESIS-COLORECTAL CANCER SYNDROME. Identifiers: Orphanet 300576, MedGen C1837750, MONDO:0012075, OMIM 608615. Disease mechanism: loss of function.

Submission:

Labcorp Genetics (formerly Invitae), Labcorp
Classification: Uncertain significance for Oligodontia-cancer predisposition syndrome. Last evaluated: 2025-07-22. Review status: criteria provided, single submitter. Criteria: Invitae Variant Classification Sherloc (09022015). Collection method: clinical testing. Allele origin: germline.
Comment: This sequence change replaces threonine, which is neutral and polar, with isoleucine, which is neutral and non-polar, at codon 295 of the AXIN2 protein (p.Thr295Ile). This variant is not present in population databases (gnomAD no frequency). This variant has not been reported in the literature in individuals affected with AXIN2-related conditions. Invitae Evidence Modeling of protein sequence and biophysical properties (such as structural, functional, and spatial information, amino acid conservation, physicochemical variation, residue mobility, and thermodynamic stability) indicates that this missense variant is not expected to disrupt AXIN2 protein function with a negative predictive value of 80%. In summary, the available evidence is currently insufficient to determine the role of this variant in disease. Therefore, it has been classified as a Variant of Uncertain Significance.

NM_004655.4(AXIN2):c.884C>T (p.Thr295Ile)

Gene: AXIN2 (axin 2; minus strand). Cytogenetic location: 17q24.1.
Variant type: single nucleotide variant.
Coding change: c.884C>T on transcript NM_004655.4 (MANE Select); coding-DNA position 884, C replaced by T.
Protein change: p.Thr295Ile; replaces threonine 295 with isoleucine.
Molecular consequence: missense variant.
Genome position (GRCh38, 1-based): chr17:65,549,592, G>A on the plus strand (C>T on the coding strand, the complement: AXIN2 is on the minus strand). VCF-style: chr17-65549592-G-A. GRCh37 (hg19) VCF-style: chr17-63545710-G-A.
Other names: c.884C>T, p.Thr295Ile (NM_001363813.1); short protein forms T295I.
Identifiers: ClinVar variation 4745466 (VCV004745466.1).